The following is an entry in ClinVar:

NM_002693.3(POLG):c.2636A>G (p.Gln879Arg)

Gene: POLG (DNA polymerase gamma, catalytic subunit; minus strand). Cytogenetic location: 15q26.1.
Variant type: single nucleotide variant.
Coding change: c.2636A>G on transcript NM_002693.3 (MANE Select); coding-DNA position 2636, A replaced by G.
Protein change: p.Gln879Arg; replaces glutamine 879 with arginine.
Molecular consequence: missense variant.
Genome position (GRCh38, 1-based): chr15:89,321,223, T>C on the plus strand (A>G on the coding strand, the complement: POLG is on the minus strand). VCF-style: chr15-89321223-T-C. GRCh37 (hg19) VCF-style: chr15-89864454-T-C.
Other names: p.Q879R:CAG>CGG; c.2636A>G, p.Gln879Arg (NM_001126131.2); short protein forms Q879R.
Identifiers: ClinVar variation 206532 (VCV000206532.14), dbSNP rs368587966, ClinGen allele CA316709.

ClinVar aggregate classification (germline): Conflicting classifications of pathogenicity. Review status: criteria provided, conflicting classifications (1 of 4 stars). 4 submissions from 4 submitters: Pathogenic (2); Uncertain significance (2). Last evaluated 2025-12-22.

Conditions:
Progressive sclerosing poliodystrophy (MTDPS4A). Also called: ALPERS DIFFUSE DEGENERATION OF CEREBRAL GRAY MATTER WITH HEPATIC CIRRHOSIS; Alpers-Huttenlocher Syndrome; ALPERS PROGRESSIVE INFANTILE POLIODYSTROPHY; NEURONAL DEGENERATION OF CHILDHOOD WITH LIVER DISEASE, PROGRESSIVE; Mitochondrial DNA Depletion Syndrome 4A; Alpers-Huttenlocher Syndrome (AHS). Identifiers: Orphanet 726, MedGen C0205710, MONDO:0008758, OMIM 203700.

Allele frequency attached by ClinVar (database versions not stated): gnomAD exomes 0.00002 and below 0.00001; TOPMed 0.00006; gnomAD 0.00007; ExAC 0.00002; ESP Exome Variant Server 0.00008.
gnomAD v4.1: 16 of 1,614,052 alleles (0.00099%); highest among the groups gnomAD compares: African/African-American, 0.013%; no homozygotes.

Submissions (4):

Labcorp Genetics (formerly Invitae), Labcorp
Classification: Uncertain significance for Progressive sclerosing poliodystrophy. Last evaluated: 2025-12-22. Review status: criteria provided, single submitter. Criteria: Invitae Variant Classification Sherloc (09022015). Collection method: clinical testing. Allele origin: germline.
Comment: This sequence change replaces glutamine, which is neutral and polar, with arginine, which is basic and polar, at codon 879 of the POLG protein (p.Gln879Arg). This variant is present in population databases (rs368587966, gnomAD 0.02%). This variant has not been reported in the literature in individuals affected with POLG-related conditions. ClinVar contains an entry for this variant (Variation ID: 206532). Invitae Evidence Modeling of protein sequence and biophysical properties (such as structural, functional, and spatial information, amino acid conservation, physicochemical variation, residue mobility, and thermodynamic stability) has been performed for this missense variant. However, the output from this modeling did not meet the statistical confidence thresholds required to predict the impact of this variant on POLG protein function. In summary, the available evidence is currently insufficient to determine the role of this variant in disease. Therefore, it has been classified as a Variant of Uncertain Significance.

Wong Mito Lab, Molecular and Human Genetics, Baylor College of Medicine
Classification: Pathogenic for Progressive sclerosing poliodystrophy. Last evaluated: 2018-10-01. Review status: criteria provided, single submitter. Criteria: ACMG Guidelines, 2015. Collection method: clinical testing. Allele origin: germline.
Comment: The NM_002693.2:c.2636A>G (NP_002684.1:p.Gln879Arg) [GRCH38: NC_000015.10:g.89321223T>C] variant in POLG gene is interpretated to be a Pathogenic based on ACMG guidelines (PMID: 25741868). This variant meets the following evidence codes reported in the ACMG-guideline. PS1:This variation causes same amino-acid change as an established pathogenic variant. PM1:This variant is in mutational hot spot or a well-studied functional domain without benign variation. PM2:This variant is absent in key population databases. PP1:This variant is co-segregated with Mitochondrial DNA depletion syndrome 4A (Alpers type) in multiple affected family members. PP2:This is a missense variant in POLG with a low rate of benign and high rate of pathogenic missense variations. PP4:Patient's phenotype or family history is highly specific for POLG. Based on the evidence criteria codes applied, the variant is suggested to be Pathogenic.

Eurofins Ntd Llc (ga)
Classification: Uncertain significance. Last evaluated: 2017-11-20. Review status: criteria provided, single submitter. Criteria: EGL Classification Definitions 2015. Collection method: clinical testing. Allele origin: germline. Observed: 1 variant allele, 1 heterozygote.

GeneDx
Classification: Pathogenic. Last evaluated: 2014-03-05. Review status: criteria provided, single submitter. Criteria: GeneDx Variant Classification (06012015). Collection method: clinical testing. Allele origin: germline. Affected: yes.
Comment: p.Gln879Arg (CAG>CGG): c.2636 A>G in exon 17 of the POLG gene (NM_002693.2). The Gln879Arg missense change has not been published as a mutation, nor has it been reported as a benign polymorphism to our knowledge. It was not observed in approximately 5,000 individuals of European and African American ancestry in the NHLBI Exome Sequencing Project, indicating it is not a common benign variant in these populations. The Gln879Arg mutation is a non-conservative amino acid substitution, which is likely to impact secondary protein structure as these residues differ in polarity, charge, size and/or other properties. This substitution occurs at a position that is conserved across species in the polymerase domain of the protein and a different missense mutation at the same codon (Gln879His) was identified in a patient with hepatotoxicity and encephalopathy who had another disease-causing mutation on the other chromosome (Horvath et al., 2008; McFarland et al., 2008). Functional studies indicate that Gln879His moderately decreases the polymerase activity of the enzyme, confirming the functional importance of this position in the protein (Kasiviswanathan et al., 2009). The variant is found in INFANT-EPI,DEPLTN-MITOP,CHILD-EPI panel(s).